The following is an entry in ClinVar:

NM_007294.4(BRCA1):c.5181_5182del (p.Lys1727fs)

Gene: BRCA1 (BRCA1 DNA repair associated; minus strand). Cytogenetic location: 17q21.31.
Variant type: Deletion.
Coding change: c.5181_5182del on transcript NM_007294.4 (MANE Select); coding-DNA positions 5181 to 5182, 2 bases deleted (AA; older notation c.5181_5182delAA).
Protein change: p.Lys1727fs; shifts the reading frame from lysine 1727.
Molecular consequence: frameshift variant. On other transcripts: non-coding transcript variant (1).
Genome position (GRCh38, 1-based): chr17:43,063,344-43,063,345, TT deleted on the plus strand (AA on the coding strand, the reverse complement: BRCA1 is on the minus strand); deleting any 2 consecutive bases within chr17:43,063,344-43,063,348 gives the same sequence; the c. name uses the placement nearest the transcript's 3' end. VCF-style (leftmost placement, unchanged base first): chr17-43063343-ATT-A. GRCh37 (hg19) VCF-style: chr17-41215360-ATT-A.
Other names: 5300delAA; c.5181_5182delAA (NM_007294.3); c.4965_4966delAA, p.Lys1656Asnfs (NM_001407571.1, NM_001407894.1, NM_001407895.1 and 12 more transcripts); c.5244_5245delAA, p.Lys1749Asnfs (NM_001407581.1, NM_001407582.1); c.5241_5242delAA, p.Lys1748Asnfs (NM_001407583.1, NM_001407585.1, NM_001407587.1); c.5238_5239delAA, p.Lys1747Asnfs (NM_001407590.1, NM_001407591.1); c.5178_5179delAA, p.Lys1727Asnfs (NM_001407593.1, NM_001407594.1, NM_001407596.1 and 7 more transcripts); c.5175_5176delAA, p.Lys1726Asnfs (NM_001407610.1, NM_001407611.1, NM_001407612.1 and 17 more transcripts); and 77 more; short protein forms K1680fs, K1727fs, K1748fs, K623fs.
Identifiers: ClinVar variation 236273 (VCV000236273.4), dbSNP rs34570933, ClinGen allele CA10581597.

ClinVar aggregate classification (germline): Pathogenic (3 of 4 stars; one submission).

Conditions:
Breast-ovarian cancer, familial, susceptibility to, 1 (BROVCA1). Also called: BRCA1 Hereditary Breast and Ovarian Cancer; OVARIAN CANCER, SUSCEPTIBILITY TO. Identifiers: Orphanet 145, MedGen C2676676, MONDO:0011450, OMIM 604370. Disease mechanism: loss of function.

Submission:

Evidence-based Network for the Interpretation of Germline Mutant Alleles (ENIGMA)
Classification: Pathogenic for Breast-ovarian cancer, familial, susceptibility to, 1. Last evaluated: 2016-04-22. Review status: reviewed by expert panel. Criteria: ENIGMA BRCA1/2 Classification Criteria (2015). Collection method: curation. Allele origin: germline.
Comment: Variant allele predicted to encode a truncated non-functional protein.